The following is an entry in ClinVar:

ClinVar aggregate classification (germline): Uncertain significance (1 of 4 stars; one submission).

Conditions:
Episodic kinesigenic dyskinesia (EKD). Also called: Paroxysmal kinesigenic dyskinesia. Identifiers: Orphanet 98809, MedGen C1868682, MONDO:0044202.

Submission:

Labcorp Genetics (formerly Invitae), Labcorp
Classification: Uncertain significance for Episodic kinesigenic dyskinesia. Last evaluated: 2021-09-29. Review status: criteria provided, single submitter. Criteria: Invitae Variant Classification Sherloc (09022015). Collection method: clinical testing. Allele origin: germline.
Comment: Algorithms developed to predict the effect of missense changes on protein structure and function (SIFT, PolyPhen-2, Align-GVGD) all suggest that this variant is likely to be tolerated. This variant has not been reported in the literature in individuals affected with PRRT2-related conditions. This variant is not present in population databases (ExAC no frequency). This sequence change replaces glutamic acid with glutamine at codon 16 of the PRRT2 protein (p.Glu16Gln). The glutamic acid residue is weakly conserved and there is a small physicochemical difference between glutamic acid and glutamine. In summary, the available evidence is currently insufficient to determine the role of this variant in disease. Therefore, it has been classified as a Variant of Uncertain Significance.

NM_145239.3(PRRT2):c.46G>C (p.Glu16Gln)

Genes: MVP-DT (MVP divergent transcript; minus strand), PRRT2 (proline rich transmembrane protein 2; plus strand). Cytogenetic location: 16p11.2.
Variant type: single nucleotide variant.
Coding change: c.46G>C on transcript NM_145239.3 (MANE Select); coding-DNA position 46, G replaced by C.
Protein change: p.Glu16Gln; replaces glutamic acid 16 with glutamine.
Molecular consequence: missense variant.
Genome position (GRCh38, 1-based): chr16:29,813,100, G>C. VCF-style: chr16-29813100-G-C. GRCh37 (hg19) VCF-style: chr16-29824421-G-C.
Other names: c.46G>C, p.Glu16Gln (NM_001256442.2, NM_001256443.2); short protein forms E16Q.
Identifiers: ClinVar variation 1378743 (VCV001378743.6), dbSNP rs777959783, ClinGen allele CA395477058.
Genomic context (GRCh38, chr16:29,813,100, plus strand): 5'-CTCTCCCATCTCAAGATGGCAGCCAGCAGCTCTGAGATCTCTGAGATGAAGGGGGTTGAG[G>C]AGAGTCCCAAGGTTCCAGGCGAAGGGCCTGGCCATTCTGAAGCTGAAACTGGCCCTCCCC-3'
Protein context (NP_660282.2, residues 6-26): SEISEMKGVE[Glu16Gln]SPKVPGEGPG